The following is an entry in ClinVar:

ClinVar aggregate classification (germline): Likely benign. Review status: criteria provided, multiple submitters, no conflicts (2 of 4 stars). 5 submissions from 5 submitters: Likely benign (2). 3 of the submissions do not count toward it. Last evaluated 2025-10-07.

Conditions:
Polycystic kidney disease. Also called: Kidney, Polycystic; Polycystic kidney dysplasia. Identifiers: MedGen C0022680, MeSH D007690, MONDO:0020642, HP:0000113.

Allele frequency attached by ClinVar (database versions not stated): 1000 Genomes Project 0.00080; ExAC 0.00092; gnomAD exomes 0.00092 and 0.00160; 1000 Genomes Project 30x 0.00094; gnomAD 0.00097 and 0.00101; TOPMed 0.00109; ESP Exome Variant Server 0.00117.
gnomAD v4.1: 2,458 of 1,590,096 alleles (0.15%); highest among the groups gnomAD compares: Non-Finnish European, 0.19%; 2 homozygotes.

Submissions (5):

Women's Health and Genetics/Laboratory Corporation of America, LabCorp
Classification: Likely benign. Last evaluated: 2025-10-07. Review status: criteria provided, single submitter. Criteria: LabCorp Variant Classification Summary - May 2015. Collection method: clinical testing. Allele origin: germline.

Blueprint Genetics
Classification: Likely benign. Last evaluated: 2024-11-06. Review status: criteria provided, single submitter. Criteria: ACMG Guidelines, 2015. Collection method: clinical testing. Allele origin: germline.

Department of Pathology and Laboratory Medicine, Sinai Health System
Classification: Likely benign for Polycystic Kidney disease. Review status: no assertion criteria provided. Collection method: clinical testing. Allele origin: unknown. Affected: yes. Study: The Canadian Open Genetics Repository (COGR). Not counted in ClinVar's aggregate classification.
Comment: The PKD1 c.6915+14A>G variant was not identified in the literature nor was it identified in the ClinVar, COGR, LOVD 3.0, or PKD1-LOVD databases. The variant was identified in dbSNP (ID: rs199559513), and in ADPKD Mutation Database (as likely neutral). The variant was identified in control databases in 219 of 262956 chromosomes at a frequency of 0.0008 increasing the likelihood this could be a low frequency benign variant (Genome Aggregation Database Feb 27, 2017). The variant was observed in the following populations: African in 7 of 23218 chromosomes (freq: 0.0003), Other in 5 of 6154 chromosomes (freq: 0.0008), Latino in 47 of 33704 chromosomes (freq: 0.0014), European in 160 of 118086 chromosomes (freq: 0.0014), while the variant was not observed in the Ashkenazi Jewish, East Asian, Finnish, and South Asian populations. In addition we cannot be certain that data from control databases is specific to PKD1 and not from one of the six PKD1 pseudogenes. The variant occurs outside of the splicing consensus sequence and in silico or computational prediction software programs (SpliceSiteFinder, MaxEntScan, NNSPLICE, GeneSplicer) do not predict a difference in splicing. In summary, based on the above information the clinical significance of this variant cannot be determined with certainty at this time although we would lean towards a more benign role for this variant. This variant is classified as likely benign.

Genome Diagnostics Laboratory, University Medical Center Utrecht
Classification: Likely benign. Review status: no assertion criteria provided. Collection method: clinical testing. Allele origin: germline. Affected: yes. Study: VKGL Data-share Consensus. Not counted in ClinVar's aggregate classification.

Laboratory of Diagnostic Genome Analysis, Leiden University Medical Center (LUMC)
Classification: Likely benign. Review status: no assertion criteria provided. Collection method: clinical testing. Allele origin: germline. Affected: yes. Study: VKGL Data-share Consensus. Not counted in ClinVar's aggregate classification.

NM_001009944.3(PKD1):c.6915+14A>G

Gene: PKD1 (polycystin 1, transient receptor potential channel interacting; minus strand). Cytogenetic location: 16p13.3.
Variant type: single nucleotide variant.
Coding change: c.6915+14A>G on transcript NM_001009944.3 (MANE Select); 14 bases into the intron after coding-DNA position 6915, A replaced by G.
Molecular consequence: intron variant.
Genome position (GRCh38, 1-based): chr16:2,108,238, T>C on the plus strand (A>G on the coding strand, the complement: PKD1 is on the minus strand). VCF-style: chr16-2108238-T-C. GRCh37 (hg19) VCF-style: chr16-2158239-T-C.
Other names: c.6915+14A>G (NM_000296.4).
Identifiers: ClinVar variation 997279 (VCV000997279.4), dbSNP rs199559513, ClinGen allele CA7831402.